The following is an entry in ClinVar:

ClinVar aggregate classification (germline): Likely benign. Review status: criteria provided, multiple submitters, no conflicts (2 of 4 stars). 3 submissions from 3 submitters: Likely benign (2). 1 of the submissions does not count toward it. Last evaluated 2026-01-26.

Conditions:
RBBP8-related disorder. Also called: RBBP8-related condition; RBBP8-Related Disorders. Identifiers: MedGen CN239300.

Allele frequency attached by ClinVar (database versions not stated): gnomAD exomes 0.00008 and 0.00038; gnomAD 0.00025; TOPMed 0.00035; ExAC 0.00038; 1000 Genomes Project 0.00040; 1000 Genomes Project 30x 0.00047.
gnomAD v4.1: 241 of 1,613,010 alleles (0.015%); highest among the groups gnomAD compares: East Asian, 0.29%; 3 homozygotes.

Submissions (3):

Labcorp Genetics (formerly Invitae), Labcorp
Classification: Likely benign. Last evaluated: 2026-01-26. Review status: criteria provided, single submitter. Criteria: Invitae Variant Classification Sherloc (09022015). Collection method: clinical testing. Allele origin: germline.

Blueprint Genetics
Classification: Likely benign. Last evaluated: 2024-10-23. Review status: criteria provided, single submitter. Criteria: ACMG Guidelines, 2015. Collection method: clinical testing. Allele origin: germline.

PreventionGenetics, part of Exact Sciences
Classification: Likely benign for RBBP8-related condition. Last evaluated: 2022-01-28. Review status: no assertion criteria provided. Collection method: clinical testing. Allele origin: germline. Not counted in ClinVar's aggregate classification.
Comment: This variant is classified as likely benign based on ACMG/AMP sequence variant interpretation guidelines (Richards et al. 2015 PMID: 25741868, with internal and published modifications).

NM_002894.3(RBBP8):c.1242A>T (p.Glu414Asp)

Gene: RBBP8 (RB binding protein 8, endonuclease; plus strand). Cytogenetic location: 18q11.2.
Variant type: single nucleotide variant.
Coding change: c.1242A>T on transcript NM_002894.3 (MANE Select); coding-DNA position 1242, A replaced by T.
Protein change: p.Glu414Asp; replaces glutamic acid 414 with aspartic acid.
Molecular consequence: missense variant.
Genome position (GRCh38, 1-based): chr18:22,993,069, A>T. VCF-style: chr18-22993069-A-T. GRCh37 (hg19) VCF-style: chr18-20573032-A-T.
Other names: c.1242A>T, p.Glu414Asp (NM_203291.2, NM_203292.2); short protein forms E414D.
Identifiers: ClinVar variation 723411 (VCV000723411.12), dbSNP rs199637354, ClinGen allele CA8910038.
Genomic context (GRCh38, chr18:22,993,069, plus strand): 5'-GAACAAGATCATTATCCAGTCATCTAATAAACAGATACTTATAAATAAAAATATAAGTGA[A>T]TCCCTAGGTGAACAGAATAGGACTGAGTACGGTAAAGATTCTAACACTGATAAACATTTG-3'
Protein context (NP_002885.1, residues 404-424): KQILINKNIS[Glu414Asp]SLGEQNRTEY